The following is an entry in ClinVar:

ClinVar aggregate classification (germline): Uncertain significance. Review status: criteria provided, multiple submitters, no conflicts (2 of 4 stars). 4 submissions from 4 submitters: Uncertain significance (4). Last evaluated 2025-11-03.

Conditions:
Spastic paraplegia. Identifiers: MedGen C0037772, HP:0001258.
Inborn genetic diseases. Identifiers: MedGen C0950123, MeSH D030342.

Allele frequency attached by ClinVar (database versions not stated): ExAC 0.00007; gnomAD 0.00007; TOPMed 0.00007; ESP Exome Variant Server 0.00008; gnomAD exomes 0.00008.
gnomAD v4.1: 98 of 1,282,026 alleles (0.0076%); highest among the groups gnomAD compares: African/African-American, 0.014%; no homozygotes.

Submissions (4):

Ambry Genetics
Classification: Uncertain significance for Inborn genetic diseases. Last evaluated: 2025-11-03. Review status: criteria provided, single submitter. Criteria: Ambry Variant Classification Scheme 2023. Collection method: clinical testing. Allele origin: germline.

GeneDx
Classification: Uncertain significance. Last evaluated: 2025-05-12. Review status: criteria provided, single submitter. Criteria: GeneDx Variant Classification Process June 2021. Collection method: clinical testing. Allele origin: germline. Affected: yes.
Comment: In silico analysis suggests that this missense variant does not alter protein structure/function; Has not been previously published as pathogenic or benign to our knowledge

Blueprint Genetics
Classification: Uncertain significance. Last evaluated: 2024-01-12. Review status: criteria provided, single submitter. Criteria: ACMG Guidelines, 2015. Collection method: clinical testing. Allele origin: germline.

Labcorp Genetics (formerly Invitae), Labcorp
Classification: Uncertain significance for Spastic paraplegia. Last evaluated: 2021-08-24. Review status: criteria provided, single submitter. Criteria: Invitae Variant Classification Sherloc (09022015). Collection method: clinical testing. Allele origin: germline.
Comment: This sequence change replaces arginine with glutamine at codon 1008 of the ZFYVE26 protein (p.Arg1008Gln). The arginine residue is highly conserved and there is a small physicochemical difference between arginine and glutamine. This variant is present in population databases (rs367635920, ExAC 0.01%). This variant has not been reported in the literature in individuals affected with ZFYVE26-related conditions. Algorithms developed to predict the effect of missense changes on protein structure and function are either unavailable or do not agree on the potential impact of this missense change (SIFT: "Deleterious"; PolyPhen-2: "Benign"; Align-GVGD: "Class C0"). Algorithms developed to predict the effect of sequence changes on RNA splicing suggest that this variant may create or strengthen a splice site. In summary, the available evidence is currently insufficient to determine the role of this variant in disease. Therefore, it has been classified as a Variant of Uncertain Significance.

NM_015346.4(ZFYVE26):c.3023G>A (p.Arg1008Gln)

Gene: ZFYVE26 (zinc finger FYVE-type containing 26; minus strand). Cytogenetic location: 14q24.1.
Variant type: single nucleotide variant.
Coding change: c.3023G>A on transcript NM_015346.4 (MANE Select); coding-DNA position 3023, G replaced by A.
Protein change: p.Arg1008Gln; replaces arginine 1008 with glutamine.
Molecular consequence: missense variant.
Genome position (GRCh38, 1-based): chr14:67,786,230, C>T on the plus strand (G>A on the coding strand, the complement: ZFYVE26 is on the minus strand). VCF-style: chr14-67786230-C-T. GRCh37 (hg19) VCF-style: chr14-68252947-C-T.
Other names: c.3023G>A (NM_015346.3); short protein forms R1008Q.
Identifiers: ClinVar variation 2421607 (VCV002421607.6), dbSNP rs367635920, ClinGen allele CA7240091.